The following is an entry in ClinVar:

NM_032861.4(SERAC1):c.356-216C>T

Gene: SERAC1 (serine active site containing 1; minus strand). Cytogenetic location: 6q25.3.
Variant type: single nucleotide variant.
Coding change: c.356-216C>T on transcript NM_032861.4 (MANE Select); 216 bases into the intron before coding-DNA position 356, C replaced by T.
Molecular consequence: intron variant.
Genome position (GRCh38, 1-based): chr6:158,147,129, G>A on the plus strand (C>T on the coding strand, the complement: SERAC1 is on the minus strand). VCF-style: chr6-158147129-G-A. GRCh37 (hg19) VCF-style: chr6-158568161-G-A.
Identifiers: ClinVar variation 671702 (VCV000671702.1), dbSNP rs9365928, ClinGen allele CA12339518.

ClinVar aggregate classification (germline): Benign (1 of 4 stars; one submission).

Allele frequency attached by ClinVar (database versions not stated): gnomAD 0.29518 and 0.30167; 1000 Genomes Project 30x 0.29528; 1000 Genomes Project 0.30192; TOPMed 0.30599.
gnomAD v4.1: 45,675 of 151,344 alleles (30%); highest among the groups gnomAD compares: Admixed American, 51%; 8,270 homozygotes.

Submission:

GeneDx
Classification: Benign. Last evaluated: 2018-06-14. Review status: criteria provided, single submitter. Criteria: GeneDx Variant Classification (06012015). Collection method: clinical testing. Allele origin: germline. Affected: yes.
Comment: This variant is considered likely benign or benign based on one or more of the following criteria: it is a conservative change, it occurs at a poorly conserved position in the protein, it is predicted to be benign by multiple in silico algorithms, and/or has population frequency not consistent with disease.